The following is an entry in ClinVar:

ClinVar aggregate classification (germline): Uncertain significance (1 of 4 stars; one submission).

Conditions:
Charcot-Marie-Tooth disease axonal type 2Z. Also called: CHARCOT-MARIE-TOOTH DISEASE, AXONAL, AUTOSOMAL DOMINANT, TYPE 2Z; CHARCOT-MARIE-TOOTH NEUROPATHY, TYPE 2Z. Identifiers: Orphanet 466768, MedGen C5569025, MONDO:0014736, OMIM 616688.

gnomAD v4.1: 1 of 1,614,148 alleles (0.000062%); highest among the groups gnomAD compares: African/African-American, 0.0013%; no homozygotes.

Submission:

Labcorp Genetics (formerly Invitae), Labcorp
Classification: Uncertain significance for Charcot-Marie-Tooth disease axonal type 2Z. Last evaluated: 2020-06-16. Review status: criteria provided, single submitter. Criteria: Invitae Variant Classification Sherloc (09022015). Collection method: clinical testing. Allele origin: germline.
Comment: This sequence change replaces glutamine with arginine at codon 449 of the MORC2 protein (p.Gln449Arg). The glutamine residue is highly conserved and there is a small physicochemical difference between glutamine and arginine. This variant is not present in population databases (ExAC no frequency). This variant has been observed in individual(s) with clinical features of Charcot-Marie-Tooth disease (Invitae). Algorithms developed to predict the effect of missense changes on protein structure and function are either unavailable or do not agree on the potential impact of this missense change (SIFT: "Not Available"; PolyPhen-2: "Possibly Damaging"; Align-GVGD: "Not Available"). In summary, the available evidence is currently insufficient to determine the role of this variant in disease. Therefore, it has been classified as a Variant of Uncertain Significance.

NM_001303256.3(MORC2):c.1346A>G (p.Gln449Arg)

Gene: MORC2 (MORC family CW-type zinc finger 2; minus strand). Cytogenetic location: 22q12.2.
Variant type: single nucleotide variant.
Coding change: c.1346A>G on transcript NM_001303256.3 (MANE Select); coding-DNA position 1346, A replaced by G.
Protein change: p.Gln449Arg; replaces glutamine 449 with arginine.
Molecular consequence: missense variant.
Genome position (GRCh38, 1-based): chr22:30,937,838, T>C on the plus strand (A>G on the coding strand, the complement: MORC2 is on the minus strand). VCF-style: chr22-30937838-T-C. GRCh37 (hg19) VCF-style: chr22-31333825-T-C.
Other names: c.1346A>G, p.Gln449Arg (NM_001303257.2); c.1160A>G, p.Gln387Arg (NM_014941.3); short protein forms Q387R, Q449R.
Identifiers: ClinVar variation 1005093 (VCV001005093.7), dbSNP rs2040678442, ClinGen allele CA411238677.